The following is an entry in ClinVar:

ClinVar aggregate classification (germline): Uncertain significance (1 of 4 stars; one submission).

Submission:

GeneDx
Classification: Uncertain significance. Last evaluated: 2025-05-20. Review status: criteria provided, single submitter. Criteria: GeneDx Variant Classification Process June 2021. Collection method: clinical testing. Allele origin: germline. Affected: yes.
Comment: Not observed at significant frequency in large population cohorts (gnomAD); In silico analysis suggests that this missense variant does not alter protein structure/function; Has not been previously published as pathogenic or benign to our knowledge

NM_004519.4(KCNQ3):c.869A>C (p.Asp290Ala)

Gene: KCNQ3 (potassium voltage-gated channel subfamily Q member 3; minus strand). Cytogenetic location: 8q24.22.
Variant type: single nucleotide variant.
Coding change: c.869A>C on transcript NM_004519.4 (MANE Select); coding-DNA position 869, A replaced by C.
Protein change: p.Asp290Ala; replaces aspartic acid 290 with alanine.
Molecular consequence: missense variant.
Genome position (GRCh38, 1-based): chr8:132,175,517, T>G on the plus strand (A>C on the coding strand, the complement: KCNQ3 is on the minus strand). VCF-style: chr8-132175517-T-G. GRCh37 (hg19) VCF-style: chr8-133187764-T-G.
Other names: c.509A>C, p.Asp170Ala (NM_001204824.2); short protein forms D170A, D290A.
Identifiers: ClinVar variation 4530912 (VCV004530912.1).